The following is an entry in ClinVar:

NM_033056.4(PCDH15):c.5028T>A (p.Thr1676=)

Gene: PCDH15 (protocadherin related 15; minus strand). Cytogenetic location: 10q21.1.
Variant type: single nucleotide variant.
Coding change: c.5028T>A on transcript NM_033056.4 (MANE Plus Clinical); coding-DNA position 5028, T replaced by A.
Protein change: p.Thr1676=; no amino-acid change (threonine 1676 retained).
Molecular consequence: synonymous variant. On other transcripts: intron variant (8).
Genome position (GRCh38, 1-based): chr10:53,822,698, A>T on the plus strand (T>A on the coding strand, the complement: PCDH15 is on the minus strand). VCF-style: chr10-53822698-A-T. GRCh37 (hg19) VCF-style: chr10-55582458-A-T.
Other names: c.5049T>A, p.Thr1683= (NM_001142763.2); c.5034T>A, p.Thr1678= (NM_001142764.2); c.4821T>A, p.Thr1607= (NM_001142765.2); c.5019T>A, p.Thr1673= (NM_001142766.2); c.4908T>A, p.Thr1636= (NM_001142767.2); c.4968T>A, p.Thr1656= (NM_001142768.2); c.4959T>A, p.Thr1653= (NM_001142773.2); c.4962T>A, p.Thr1654= (NM_001354404.2); and 7 more.
Identifiers: ClinVar variation 972455 (VCV000972455.8), dbSNP rs775752587, ClinGen allele CA5505138.

ClinVar aggregate classification (germline): Likely benign. Review status: criteria provided, single submitter (1 of 4 stars). 3 submissions from 3 submitters: Likely benign (1). 2 of the submissions do not count toward it. Last evaluated 2026-01-05.

Conditions:
PCDH15-related disorder. Also called: PCDH15-related condition; PCDH15-related disorders.
Usher syndrome type 1F (USH1F). Also called: USHER SYNDROME, TYPE IF. Identifiers: Orphanet 231169, Orphanet 886, MedGen C1865885, MONDO:0011186, OMIM 602083.

Allele frequency attached by ClinVar (database versions not stated): gnomAD exomes 0.00001 and 0.00004; gnomAD 0.00001; ExAC 0.00003; TOPMed 0.00004.
gnomAD v4.1: 17 of 1,613,996 alleles (0.0011%); highest among the groups gnomAD compares: Admixed American, 0.015%; no homozygotes.

Submissions (3):

Labcorp Genetics (formerly Invitae), Labcorp
Classification: Likely benign. Last evaluated: 2026-01-05. Review status: criteria provided, single submitter. Criteria: Invitae Variant Classification Sherloc (09022015). Collection method: clinical testing. Allele origin: germline.

PreventionGenetics, part of Exact Sciences
Classification: Likely benign for PCDH15-related condition. Last evaluated: 2024-07-09. Review status: no assertion criteria provided. Collection method: clinical testing. Allele origin: germline. Not counted in ClinVar's aggregate classification.
Comment: This variant is classified as likely benign based on ACMG/AMP sequence variant interpretation guidelines (Richards et al. 2015 PMID: 25741868, with internal and published modifications).

Natera, Inc.
Classification: Uncertain significance for Usher syndrome type 1F. Last evaluated: 2020-02-04. Review status: no assertion criteria provided. Collection method: clinical testing. Allele origin: germline. Not counted in ClinVar's aggregate classification.